The following is an entry in ClinVar:

ClinVar aggregate classification (germline): Conflicting classifications of pathogenicity. Review status: criteria provided, conflicting classifications (1 of 4 stars). 2 submissions from 2 submitters: Uncertain significance (1); Likely benign (1). Last evaluated 2024-02-26.

Conditions:
Hereditary cancer-predisposing syndrome. Also called: Hereditary Cancer Syndrome; Hereditary neoplastic syndrome; Neoplastic Syndromes, Hereditary; Tumor predisposition. Identifiers: Orphanet 140162, MedGen C0027672, MeSH D009386, MONDO:0015356.
Familial cancer of breast. Also called: BREAST CANCER, FAMILIAL; hereditary breast carcinoma; Hereditary breast cancer. Identifiers: Orphanet 227535, MedGen C0346153, MONDO:0016419, OMIM 114480. Disease mechanism: loss of function.

Submissions (2):

Ambry Genetics
Classification: Likely benign for Hereditary cancer-predisposing syndrome. Last evaluated: 2024-02-26. Review status: criteria provided, single submitter. Criteria: Ambry Variant Classification Scheme 2023. Collection method: clinical testing. Allele origin: germline.

Labcorp Genetics (formerly Invitae), Labcorp
Classification: Uncertain significance for Familial cancer of breast. Last evaluated: 2023-03-04. Review status: criteria provided, single submitter. Criteria: Invitae Variant Classification Sherloc (09022015). Collection method: clinical testing. Allele origin: germline.
Comment: This variant is not present in population databases (gnomAD no frequency). In summary, the available evidence is currently insufficient to determine the role of this variant in disease. Therefore, it has been classified as a Variant of Uncertain Significance. Algorithms developed to predict the effect of missense changes on protein structure and function output the following: SIFT: "Not Available"; PolyPhen-2: "Benign"; Align-GVGD: "Not Available". The valine amino acid residue is found in multiple mammalian species, which suggests that this missense change does not adversely affect protein function. ClinVar contains an entry for this variant (Variation ID: 1749716). This variant has not been reported in the literature in individuals affected with BARD1-related conditions. This sequence change replaces isoleucine, which is neutral and non-polar, with valine, which is neutral and non-polar, at codon 340 of the BARD1 protein (p.Ile340Val).

NM_000465.4(BARD1):c.1018A>G (p.Ile340Val)

Gene: BARD1 (BRCA1 associated RING domain 1; minus strand). Cytogenetic location: 2q35.
Variant type: single nucleotide variant.
Coding change: c.1018A>G on transcript NM_000465.4 (MANE Select); coding-DNA position 1018, A replaced by G.
Protein change: p.Ile340Val; replaces isoleucine 340 with valine.
Molecular consequence: missense variant. On other transcripts: non-coding transcript variant (2), intron variant (3).
Genome position (GRCh38, 1-based): chr2:214,780,856, T>C on the plus strand (A>G on the coding strand, the complement: BARD1 is on the minus strand). VCF-style: chr2-214780856-T-C. GRCh37 (hg19) VCF-style: chr2-215645580-T-C.
Other names: c.961A>G, p.Ile321Val (NM_001282543.2); c.159-28301A>G (NM_001282548.2); c.215+16205A>G (NM_001282545.2); c.364+11441A>G (NM_001282549.2); short protein forms I321V, I340V.
Identifiers: ClinVar variation 1749716 (VCV001749716.5), dbSNP rs878853994, ClinGen allele CA350454329.